The following is an entry in ClinVar:

NM_001042750.2(STAG2):c.868A>C (p.Lys290Gln)

Gene: STAG2 (STAG2 cohesin complex component; plus strand). Cytogenetic location: Xq25.
Variant type: single nucleotide variant.
Coding change: c.868A>C on transcript NM_001042750.2 (MANE Select); coding-DNA position 868, A replaced by C.
Protein change: p.Lys290Gln; replaces lysine 290 with glutamine.
Molecular consequence: missense variant.
Genome position (GRCh38, 1-based): chrX:124,049,053, A>C. VCF-style: chrX-124049053-A-C. GRCh37 (hg19) VCF-style: chrX-123182903-A-C.
Other names: c.868A>C, p.Lys290Gln (NM_001042749.2, NM_001042751.2, NM_001282418.2 and 13 more transcripts); short protein forms K290Q.
Identifiers: ClinVar variation 2810766 (VCV002810766.3), dbSNP rs2148209355, ClinGen allele CA414275755.

ClinVar aggregate classification (germline): Uncertain significance (1 of 4 stars; one submission).

Submission:

Labcorp Genetics (formerly Invitae), Labcorp
Classification: Uncertain significance. Last evaluated: 2022-10-30. Review status: criteria provided, single submitter. Criteria: Invitae Variant Classification Sherloc (09022015). Collection method: clinical testing. Allele origin: germline.
Comment: This sequence change replaces lysine, which is basic and polar, with glutamine, which is neutral and polar, at codon 290 of the STAG2 protein (p.Lys290Gln). This variant is not present in population databases (gnomAD no frequency). This variant has not been reported in the literature in individuals affected with STAG2-related conditions. Advanced modeling of protein sequence and biophysical properties (such as structural, functional, and spatial information, amino acid conservation, physicochemical variation, residue mobility, and thermodynamic stability) performed at Invitae indicates that this missense variant is not expected to disrupt STAG2 protein function. In summary, the available evidence is currently insufficient to determine the role of this variant in disease. Therefore, it has been classified as a Variant of Uncertain Significance.